The following is an entry in ClinVar:

ClinVar aggregate classification (germline): Uncertain significance (1 of 4 stars; one submission).

Submission:

Ambry Genetics
Classification: Uncertain significance. Last evaluated: 2023-04-28. Review status: criteria provided, single submitter. Criteria: Ambry Variant Classification Scheme 2023. Collection method: clinical testing. Allele origin: germline.
Comment: The p.I380V variant (also known as c.1138A>G), located in coding exon 7 of the IDH1 gene, results from an A to G substitution at nucleotide position 1138. The isoleucine at codon 380 is replaced by valine, an amino acid with highly similar properties. This amino acid position is conserved. In addition, the in silico prediction for this alteration is inconclusive. Since supporting evidence is limited at this time, the clinical significance of this alteration remains unclear.

NM_005896.4(IDH1):c.1138A>G (p.Ile380Val)

Gene: IDH1 (isocitrate dehydrogenase (NADP(+)) 1; minus strand). Cytogenetic location: 2q34.
Variant type: single nucleotide variant.
Coding change: c.1138A>G on transcript NM_005896.4 (MANE Select); coding-DNA position 1138, A replaced by G.
Protein change: p.Ile380Val; replaces isoleucine 380 with valine.
Molecular consequence: missense variant.
Genome position (GRCh38, 1-based): chr2:208,239,087, T>C on the plus strand (A>G on the coding strand, the complement: IDH1 is on the minus strand). VCF-style: chr2-208239087-T-C. GRCh37 (hg19) VCF-style: chr2-209103811-T-C.
Other names: c.1138A>G, p.Ile380Val (NM_001282386.1, NM_001282387.1); short protein forms I380V.
Identifiers: ClinVar variation 2567505 (VCV002567505.2), dbSNP rs1274565022, ClinGen allele CA350094063.